The following is an entry in ClinVar:

ClinVar aggregate classification (germline): Pathogenic (1 of 4 stars; one submission).

Conditions:
Hearing loss, autosomal recessive 106. Also called: DEAFNESS, AUTOSOMAL RECESSIVE 106. Identifiers: MedGen C4539954, MONDO:0033198, OMIM 617637.

Submission:

Institute of Rare Diseases, West China Hospital, Sichuan University
Classification: Pathogenic for Hearing loss, autosomal recessive 106. Last evaluated: 2025-01-09. Review status: criteria provided, single submitter. Criteria: ClinGen HL ACMG Specifications v1. Collection method: research. Allele origin: germline. Affected: yes.
Comment: PVS1;PM3_Supporting;PM2_Supporting

NM_022772.4(EPS8L2):c.961dup (p.Ile321fs)

Gene: EPS8L2 (EPS8 signaling adaptor L2; plus strand). Cytogenetic location: 11p15.5.
Variant type: Duplication.
Coding change: c.961dup on transcript NM_022772.4 (MANE Select); coding-DNA position 961, one base duplicated (A; older notation c.961dupA).
Protein change: p.Ile321fs; shifts the reading frame from isoleucine 321.
Molecular consequence: frameshift variant.
Genome position (GRCh38, 1-based): chr11:721,968, A duplicated; the last of 4 consecutive A bases (chr11:721,965-721,968); duplicating any one gives the same sequence. VCF-style (leftmost placement, unchanged base first): chr11-721964-G-GA. GRCh37 (hg19) VCF-style: chr11-721964-G-GA.
Other names: short protein forms I321fs.
Identifiers: ClinVar variation 3601081 (VCV003601081.1).